The following is an entry in ClinVar:

ClinVar aggregate classification (germline): Uncertain significance (1 of 4 stars; one submission).

Conditions:
Hereditary cancer-predisposing syndrome. Also called: Tumor predisposition; Hereditary Cancer Syndrome; Neoplastic Syndromes, Hereditary; Hereditary neoplastic syndrome. Identifiers: Orphanet 140162, MedGen C0027672, MeSH D009386, MONDO:0015356.

Submission:

Ambry Genetics
Classification: Uncertain significance for Hereditary cancer-predisposing syndrome. Last evaluated: 2021-05-18. Review status: criteria provided, single submitter. Criteria: Ambry Variant Classification Scheme 2023. Collection method: clinical testing. Allele origin: germline.
Comment: The p.F961L variant (also known as c.2881T>C), located in coding exon 17 of the RET gene, results from a T to C substitution at nucleotide position 2881. The phenylalanine at codon 961 is replaced by leucine, an amino acid with highly similar properties. This alteration has been reported in a cohort of 84 Chinese Hirschsprung disease patients (Garcia-Barcel&oacute; M et al. Clin Chem, 2004 Jan;50:93-100). This alteration demonstrated impaired RET phosphorylation in one functional study (Leon TY et al. Birth Defects Res A Clin Mol Teratol, 2012 Jan;94:47-51). This amino acid position is highly conserved in available vertebrate species. In addition, this alteration is predicted to be deleterious by in silico analysis. Since supporting evidence is limited at this time, the clinical significance of this alteration remains unclear.

Literature cited by the submitters: PubMed 14633923; PubMed 21706185; PubMed 22131258; PubMed 22174939; PubMed 22837065.

NM_020975.6(RET):c.2881T>C (p.Phe961Leu)

Gene: RET (ret proto-oncogene; plus strand). Cytogenetic location: 10q11.21.
Variant type: single nucleotide variant.
Coding change: c.2881T>C on transcript NM_020975.6 (MANE Select); coding-DNA position 2881, T replaced by C.
Protein change: p.Phe961Leu; replaces phenylalanine 961 with leucine.
Molecular consequence: missense variant.
Genome position (GRCh38, 1-based): chr10:43,123,750, T>C. VCF-style: chr10-43123750-T-C. GRCh37 (hg19) VCF-style: chr10-43619198-T-C.
Other names: c.2881T>C, p.Phe961Leu (NM_000323.2, NM_001406743.1, NM_001406744.1 and 4 more transcripts); c.2119T>C, p.Phe707Leu (NM_001355216.2); c.2752T>C, p.Phe918Leu (NM_001406761.1, NM_001406762.1, NM_001406764.1); c.2746T>C, p.Phe916Leu (NM_001406763.1, NM_001406765.1); c.2593T>C, p.Phe865Leu (NM_001406766.1, NM_001406767.1, NM_001406770.1); c.2617T>C, p.Phe873Leu (NM_001406768.1); c.2485T>C, p.Phe829Leu (NM_001406769.1, NM_001406772.1); c.2443T>C, p.Phe815Leu (NM_001406771.1, NM_001406773.1); and 10 more; short protein forms F865L, F478L, F526L, F617L, F619L, F719L, F786L, F873L.
Identifiers: ClinVar variation 1797184 (VCV001797184.2), dbSNP rs2133005888, ClinGen allele CA376557875.